The following is an entry in ClinVar:

ClinVar aggregate classification (germline): Benign/Likely benign. Review status: criteria provided, multiple submitters, no conflicts (2 of 4 stars). 5 submissions from 4 submitters: Benign (1); Likely benign (4). Last evaluated 2025-09-23.

Conditions:
Cutis laxa, autosomal dominant 1 (ADCL1). Also called: ELN-Related Cutis Laxa. Identifiers: Orphanet 90348, MedGen C3276539, MONDO:0007411, OMIM 123700. Disease mechanism: Dominant Negative.
Supravalvar aortic stenosis (SVAS). Also called: Supravalvar aortic stenosis, Eisenberg type. Identifiers: Orphanet 3193, MedGen C0003499, MONDO:0008504, OMIM 185500, HP:0004381.

Allele frequency attached by ClinVar (database versions not stated): ExAC 0.00004; gnomAD exomes 0.00007; ESP Exome Variant Server 0.00008; gnomAD 0.00014; TOPMed 0.00015; 1000 Genomes Project 30x 0.00016; 1000 Genomes Project 0.00020.
gnomAD v4.1: 107 of 1,613,792 alleles (0.0066%); highest among the groups gnomAD compares: Middle Eastern, 0.082%; no homozygotes.

Submissions (5):

Labcorp Genetics (formerly Invitae), Labcorp
Classification: Likely benign for Supravalvar aortic stenosis. Last evaluated: 2025-09-23. Review status: criteria provided, single submitter. Criteria: Invitae Variant Classification Sherloc (09022015). Collection method: clinical testing. Allele origin: germline.

Blueprint Genetics
Classification: Likely benign. Last evaluated: 2024-10-09. Review status: criteria provided, single submitter. Criteria: ACMG Guidelines, 2015. Collection method: clinical testing. Allele origin: germline.

Illumina Laboratory Services, Illumina
Classification: Benign for Cutis laxa, autosomal dominant 1. Last evaluated: 2018-01-13. Review status: criteria provided, single submitter. Criteria: ICSL Variant Classification Criteria 13 December 2019. Collection method: clinical testing. Allele origin: germline.
Comment: This variant was observed in the ICSL laboratory as part of a predisposition screen in an ostensibly healthy population. It had not been previously curated by ICSL or reported in the Human Gene Mutation Database (HGMD: prior to June 1st, 2018), and was therefore a candidate for classification through an automated scoring system. Utilizing variant allele frequency, disease prevalence and penetrance estimates, and inheritance mode, an automated score was calculated to assess if this variant is too frequent to cause the disease. Based on the score and internal cut-off values, a variant classified as benign is not then subjected to further curation. The score for this variant resulted in a classification of benign for this disease.

Illumina Laboratory Services, Illumina
Classification: Likely benign for Supravalvar aortic stenosis. Last evaluated: 2018-01-13. Review status: criteria provided, single submitter. Criteria: ICSL Variant Classification Criteria 13 December 2019. Collection method: clinical testing. Allele origin: germline.
Comment: This variant was observed in the ICSL laboratory as part of a predisposition screen in an ostensibly healthy population. It had not been previously curated by ICSL or reported in the Human Gene Mutation Database (HGMD: prior to June 1st, 2018), and was therefore a candidate for classification through an automated scoring system. Utilizing variant allele frequency, disease prevalence and penetrance estimates, and inheritance mode, an automated score was calculated to assess if this variant is too frequent to cause the disease. Based on the score and internal cut-off values, a variant classified as likely benign is not then subjected to further curation. The score for this variant resulted in a classification of likely benign for this disease.

Breakthrough Genomics
Classification: Likely benign. Review status: criteria provided, single submitter. Criteria: ACMG Guidelines, 2015. Collection method: not provided. Allele origin: germline. Inheritance: Autosomal dominant inheritance. Affected: yes.

NM_000501.4(ELN):c.1317C>T (p.Pro439=)

Gene: ELN (elastin; plus strand). Cytogenetic location: 7q11.23.
Variant type: single nucleotide variant.
Coding change: c.1317C>T on transcript NM_000501.4 (MANE Select); coding-DNA position 1317, C replaced by T.
Protein change: p.Pro439=; no amino-acid change (proline 439 retained).
Molecular consequence: synonymous variant.
Genome position (GRCh38, 1-based): chr7:74,056,673, C>T. VCF-style: chr7-74056673-C-T. GRCh37 (hg19) VCF-style: chr7-73471003-C-T.
Other names: c.1287C>T, p.Pro429= (NM_001081752.3, NM_001278917.2); c.1332C>T, p.Pro444= (NM_001081753.3, NM_001081754.3); c.1317C>T, p.Pro439= (NM_001081755.3, NM_001278912.2, NM_001278915.2 and 1 more transcripts); c.1131C>T, p.Ala377= (NM_001278913.2); c.1302C>T, p.Pro434= (NM_001278914.2); c.1275C>T, p.Pro425= (NM_001278916.2); c.1107C>T, p.Ala369= (NM_001278918.2).
Identifiers: ClinVar variation 360652 (VCV000360652.14), dbSNP rs201861098, ClinGen allele CA4292944.